The following is an entry in ClinVar:

ClinVar aggregate classification (germline): Uncertain significance. Review status: criteria provided, multiple submitters, no conflicts (2 of 4 stars). 2 submissions from 2 submitters: Uncertain significance (2). Last evaluated 2025-06-14.

Conditions:
Hereditary cancer-predisposing syndrome. Also called: Tumor predisposition; Neoplastic Syndromes, Hereditary; Hereditary neoplastic syndrome; Hereditary Cancer Syndrome. Identifiers: Orphanet 140162, MedGen C0027672, MeSH D009386, MONDO:0015356.

Submissions (2):

GeneDx
Classification: Uncertain significance. Last evaluated: 2025-06-14. Review status: criteria provided, single submitter. Criteria: GeneDx Variant Classification Process June 2021. Collection method: clinical testing. Allele origin: germline. Affected: yes.
Comment: Not observed at significant frequency in large population cohorts (gnomAD); In-frame deletion of 1 amino acid in a non-repeat region; In silico analysis supports a deleterious effect on protein structure/function; Has not been previously published as pathogenic or benign to our knowledge

Ambry Genetics
Classification: Uncertain significance for Hereditary cancer-predisposing syndrome. Last evaluated: 2024-09-25. Review status: criteria provided, single submitter. Criteria: Ambry Variant Classification Scheme 2023. Collection method: clinical testing. Allele origin: germline.
Comment: The c.5197_5199delACC variant (also known as p.T1733del) is located in coding exon 40 of the TSC2 gene. This variant results from an in-frame ACC deletion at nucleotide positions 5197 to 5199. This results in the in-frame deletion of a threonine at codon 1733. This amino acid position is not well conserved in available vertebrate species. In addition, the in silico prediction for this alteration is inconclusive (Choi Y et al. PLoS ONE. 2012; 7(10):e46688). Based on the available evidence, the clinical significance of this variant remains unclear.

NM_000548.5(TSC2):c.5197_5199del (p.Thr1733del)

Gene: TSC2 (TSC complex subunit 2; plus strand). Cytogenetic location: 16p13.3.
Variant type: Deletion.
Coding change: c.5197_5199del on transcript NM_000548.5 (MANE Select); coding-DNA positions 5197 to 5199, 3 bases deleted (ACC; older notation c.5197_5199delACC).
Protein change: p.Thr1733del; deletes threonine 1733.
Molecular consequence: inframe deletion.
Genome position (GRCh38, 1-based): chr16:2,088,263-2,088,265, ACC deleted; deleting any 3 consecutive bases within chr16:2,088,261-2,088,265 gives the same sequence; the c. name uses the placement nearest the transcript's 3' end. VCF-style (leftmost placement, unchanged base first): chr16-2088260-CCCA-C. GRCh37 (hg19) VCF-style: chr16-2138261-CCCA-C.
Other names: c.4996_4998del, p.Thr1666del (NM_001077183.3); c.5128_5130del, p.Thr1710del (NM_001114382.3); c.4888_4890del, p.Thr1630del (NM_001318827.2); c.4852_4854del, p.Thr1618del (NM_001318829.2); c.4465_4467del, p.Thr1489del (NM_001318831.2); c.5029_5031del, p.Thr1677del (NM_001318832.2); c.4999_5001del, p.Thr1667del (NM_001363528.2); c.5065_5067del, p.Thr1689del (NM_001370404.1); and 3 more; short protein forms T1618del, T1630del, T1677del, T1733del, T1689del, T1710del, T1489del, T1666del.
Identifiers: ClinVar variation 3462565 (VCV003462565.2).